The following is an entry in ClinVar:

NC_000017.10:g.(?_41209049)_(41209172_?)dup

Gene: BRCA1 (BRCA1 DNA repair associated; minus strand). Cytogenetic location: 17q21.31.
Variant type: Duplication.
Identifiers: ClinVar variation 3242997 (VCV003242997.1).

ClinVar aggregate classification (germline): Likely pathogenic (1 of 4 stars; one submission).

Conditions:
Hereditary breast ovarian cancer syndrome. Also called: Hereditary breast and ovarian cancer syndrome; Hereditary breast and ovarian cancer; Hereditary breast and ovarian cancer syndrome (HBOC); Breast and ovarian cancer; Hereditary breast and/or ovarian cancer syndrome; BRCA1- and BRCA2-Associated Hereditary Breast and Ovarian Cancer. Identifiers: Orphanet 145, MedGen C0677776, MeSH D061325, MONDO:0003582. Disease mechanism: loss of function.

Submission:

Labcorp Genetics (formerly Invitae), Labcorp
Classification: Likely pathogenic for Hereditary breast ovarian cancer syndrome. Last evaluated: 2024-01-18. Review status: criteria provided, single submitter. Criteria: Invitae Variant Classification Sherloc (09022015). Collection method: clinical testing. Allele origin: unknown.
Comment: This variant results in a copy number gain of the genomic region encompassing exon(s) 19 of the BRCA1 gene. While the exact position of this variant cannot be determined from the data, sub-genic copy number gains are generally in tandem (PMID: 25640679). This variant is predicted to be in-frame, and likely preserves the integrity of the reading frame. A similar copy number variant has been observed in individual(s) with breast cancer and/or ovarian cancer (PMID: 16715518, 16793929). It has also been observed to segregate with disease in related individuals. This variant is also known as duplication of exon 20 by legacy exon numbering. This variant disrupts the BRCT domain, which is important for DNA repair activity (PMID: 11573086, 14576433, 15133503, 25652403). While functional studies have not been performed to directly test the effect of this variant on BRCA1 protein function, this suggests that disruption of this region of the protein is causative of disease. In summary, the currently available evidence indicates that the variant is pathogenic, but additional data are needed to prove that conclusively. Therefore, this variant has been classified as Likely Pathogenic.

Literature cited by the submitters: PubMed 25640679; PubMed 16715518; PubMed 16793929; PubMed 11573086; PubMed 14576433; PubMed 15133503; PubMed 25652403.